The following is an entry in ClinVar:

ClinVar aggregate classification (germline): Conflicting classifications of pathogenicity. Review status: criteria provided, conflicting classifications (1 of 4 stars). 13 submissions from 13 submitters: Uncertain significance (1); Benign (2); Likely benign (9). 1 of the submissions does not count toward it. Last evaluated 2026-09-01.

Conditions:
Ehlers-Danlos syndrome, spondylodysplastic type, 3. Also called: Ehlers-Danlos syndrome, spondylocheirodysplastic type. Identifiers: Orphanet 157965, MedGen C2676510, MONDO:0012873, OMIM 612350.
SLC39A13-related disorder. Also called: SLC39A13-related condition.
Inborn genetic diseases. Identifiers: MedGen C0950123, MeSH D030342.
Ehlers-Danlos syndrome (EDS). Identifiers: Orphanet 98249, MedGen C0013720, MONDO:0020066.

Allele frequency attached by ClinVar (database versions not stated): gnomAD 0.00207 and 0.00217; ESP Exome Variant Server 0.00223; gnomAD exomes 0.00272 and 0.00170; 1000 Genomes Project 30x 0.00031; 1000 Genomes Project 0.00040; ExAC 0.00158; TOPMed 0.00193.

Submissions (13):

CeGaT Center for Human Genetics Tuebingen
Classification: Likely benign. Last evaluated: 2026-09-01. Review status: criteria provided, single submitter. Criteria: CeGaT Center For Human Genetics Tuebingen Variant Classification Criteria Version 2. Collection method: clinical testing. Allele origin: germline. Affected: yes. Observed: 18 variant alleles.
Comment: SLC39A13: BP4, BS2

Women's Health and Genetics/Laboratory Corporation of America, LabCorp
Classification: Likely benign. Last evaluated: 2026-06-09. Review status: criteria provided, single submitter. Criteria: LabCorp Variant Classification Summary - May 2015. Collection method: clinical testing. Allele origin: germline.
Comment: Variant summary: SLC39A13 c.439C>G (p.Gln147Glu) results in a conservative amino acid change in the encoded protein sequence. Algorithms developed to predict the effect of missense changes on protein structure and function are either unavailable or do not agree on the potential impact of this missense change. The variant allele was found at a frequency of 0.0017 in 250280 control chromosomes, predominantly at a frequency of 0.0028 within the Non-Finnish European subpopulation in the gnomAD database. The observed variant frequency within Non-Finnish European control individuals in the gnomAD database exceeds the estimated maximal expected allele frequency for disease-causing variants in SLC39A13, providing supporting evidence for a benign role. To our knowledge, no occurrence of c.439C>G in individuals affected with SLC39A13-related conditions and no experimental evidence demonstrating its impact on protein function have been reported. ClinVar contains an entry for this variant (Variation ID: 287155). Based on the evidence outlined above, the variant was classified as likely benign.

Labcorp Genetics (formerly Invitae), Labcorp
Classification: Likely benign for Ehlers-Danlos syndrome, spondylodysplastic type, 3. Last evaluated: 2026-02-01. Review status: criteria provided, single submitter. Criteria: Invitae Variant Classification Sherloc (09022015). Collection method: clinical testing. Allele origin: germline.

Blueprint Genetics
Classification: Likely benign. Last evaluated: 2024-11-18. Review status: criteria provided, single submitter. Criteria: ACMG Guidelines, 2015. Collection method: clinical testing. Allele origin: germline.

Mayo Clinic Laboratories, Mayo Clinic
Classification: Benign. Last evaluated: 2024-06-24. Review status: criteria provided, single submitter. Criteria: ACMG Guidelines, 2015. Collection method: clinical testing. Allele origin: germline. Observed: 27 variant alleles.
Comment: BS1, BS2, BP4

Genome Diagnostics Laboratory, The Hospital for Sick Children
Classification: Likely benign for Ehlers-Danlos syndrome. Last evaluated: 2022-06-13. Review status: criteria provided, single submitter. Criteria: ACMG Guidelines, 2015. Collection method: clinical testing. Allele origin: germline.

Ambry Genetics
Classification: Uncertain significance for Inborn genetic diseases. Last evaluated: 2021-09-17. Review status: criteria provided, single submitter. Criteria: Ambry Variant Classification Scheme 2023. Collection method: clinical testing. Allele origin: germline.

GeneDx
Classification: Likely benign. Last evaluated: 2021-04-07. Review status: criteria provided, single submitter. Criteria: GeneDx Variant Classification Process June 2021. Collection method: clinical testing. Allele origin: germline. Affected: yes.

Center for Genomics, Ann and Robert H. Lurie Children's Hospital of Chicago
Classification: Likely benign for Ehlers-Danlos syndrome, spondylodysplastic type, 3. Last evaluated: 2021-03-30. Review status: criteria provided, single submitter. Criteria: ACMG Guidelines, 2015. Collection method: clinical testing. Allele origin: germline.
Comment: SLC39A13 NM_152264.4 exon 4 p.Gln147Glu (c.439C>G): This variant has not been reported in the literature but is present in 0.3% (203/68032) of European alleles, including 3 homozygotes, in the Genome Aggregation Database. This variant is present in ClinVar, with several labs classifying this variant as likely benign (Variation ID: 287155). Evolutionary conservation for this variant is unclear. Computational predictive tools suggest that this variant may not impact the protein. In summary, data on this variant suggests that this variant does not cause disease, but requires further evidence. Therefore this variant is classified as likely benign.

Center for Pediatric Genomic Medicine, Children's Mercy Hospital and Clinics
Classification: Likely benign. Last evaluated: 2017-06-26. Review status: criteria provided, single submitter. Criteria: ACMG Guidelines, 2015. Collection method: clinical testing. Allele origin: germline.

Eurofins Ntd Llc (ga)
Classification: Benign. Last evaluated: 2016-03-31. Review status: criteria provided, single submitter. Criteria: EGL Classification Definitions 2015. Collection method: clinical testing. Allele origin: germline. Observed: 1 variant allele, 1 heterozygote.

Breakthrough Genomics
Classification: Likely benign. Review status: criteria provided, single submitter. Criteria: ACMG Guidelines, 2015. Collection method: not provided. Allele origin: germline. Inheritance: Autosomal recessive inheritance. Affected: yes.

PreventionGenetics, part of Exact Sciences
Classification: Likely benign for SLC39A13-related condition. Last evaluated: 2021-10-23. Review status: no assertion criteria provided. Collection method: clinical testing. Allele origin: germline. Not counted in ClinVar's aggregate classification.
Comment: This variant is classified as likely benign based on ACMG/AMP sequence variant interpretation guidelines (Richards et al. 2015 PMID: 25741868, with internal and published modifications).

NM_001128225.3(SLC39A13):c.439C>G (p.Gln147Glu)

Gene: SLC39A13 (solute carrier family 39 member 13; plus strand). Cytogenetic location: 11p11.2.
Variant type: single nucleotide variant.
Coding change: c.439C>G on transcript NM_001128225.3 (MANE Select); coding-DNA position 439, C replaced by G.
Protein change: p.Gln147Glu; replaces glutamine 147 with glutamic acid.
Molecular consequence: missense variant. On other transcripts: non-coding transcript variant (1).
Genome position (GRCh38, 1-based): chr11:47,412,369, C>G. VCF-style: chr11-47412369-C-G. GRCh37 (hg19) VCF-style: chr11-47433920-C-G.
Other names: p.Gln147Glu; c.439C>G, p.Gln147Glu (NM_001330245.2, NM_152264.5); short protein forms Q147E.
Identifiers: ClinVar variation 287155 (VCV000287155.70), dbSNP rs148291843, ClinGen allele CA5975791.